The following is an entry in ClinVar:

NM_006080.3(SEMA3A):c.550G>A (p.Gly184Arg)

Gene: SEMA3A (semaphorin 3A; minus strand). Cytogenetic location: 7q21.11.
Variant type: single nucleotide variant.
Coding change: c.550G>A on transcript NM_006080.3 (MANE Select); coding-DNA position 550, G replaced by A.
Protein change: p.Gly184Arg; replaces glycine 184 with arginine.
Molecular consequence: missense variant.
Genome position (GRCh38, 1-based): chr7:84,046,441, C>T on the plus strand (G>A on the coding strand, the complement: SEMA3A is on the minus strand). VCF-style: chr7-84046441-C-T. GRCh37 (hg19) VCF-style: chr7-83675757-C-T.
Other names: short protein forms G184R.
Identifiers: ClinVar variation 4997150 (VCV004997150.1).

ClinVar aggregate classification (germline): Uncertain significance (1 of 4 stars; one submission).

Conditions:
SEMA3A-related disorder. Also called: SEMA3A-related condition.

Submission:

PreventionGenetics, part of Exact Sciences
Classification: Uncertain significance for SEMA3A-related condition. Last evaluated: 2024-10-17. Review status: criteria provided, single submitter. Criteria: ACMG Guidelines, 2015. Collection method: clinical testing. Allele origin: germline.
Comment: The SEMA3A c.550G>A variant is predicted to result in the amino acid substitution p.Gly184Arg. To our knowledge, this variant has not been reported in the literature or in a large population database (gnomAD), indicating this variant is rare. At this time, the clinical significance of this variant is uncertain due to the absence of conclusive functional and genetic evidence.